The following is an entry in ClinVar:

NM_020436.5(SALL4):c.1589C>G (p.Ser530Cys)

Gene: SALL4 (spalt like transcription factor 4; minus strand). Cytogenetic location: 20q13.2.
Variant type: single nucleotide variant.
Coding change: c.1589C>G on transcript NM_020436.5 (MANE Select); coding-DNA position 1589, C replaced by G.
Protein change: p.Ser530Cys; replaces serine 530 with cysteine.
Molecular consequence: missense variant. On other transcripts: intron variant (1).
Genome position (GRCh38, 1-based): chr20:51,790,894, G>C on the plus strand (C>G on the coding strand, the complement: SALL4 is on the minus strand). VCF-style: chr20-51790894-G-C. GRCh37 (hg19) VCF-style: chr20-50407433-G-C.
Other names: c.1150+439C>G (NM_001318031.2); short protein forms S530C.
Identifiers: ClinVar variation 5020195 (VCV005020195.1).

ClinVar aggregate classification (germline): Uncertain significance (1 of 4 stars; one submission).

Submission:

Dasa
Classification: Uncertain significance. Last evaluated: 2026-07-14. Review status: criteria provided, single submitter. Criteria: DASA Assertion Criteria. Collection method: clinical testing. Allele origin: germline.
Comment: NM_020436.5(SALL4):c.1589C>G (p.Ser530Cys) is a missense variant that results in the substitution of serine with cysteine. This variant is rare in population databases. Computational prediction algorithms are consistent with a benign effect. The currently available literature and clinical evidence are not sufficient to establish a definitive association between this variant and the reported condition. Therefore, this variant is classified as a variant of uncertain significance.